The following is an entry in ClinVar:

NM_004304.5(ALK):c.819G>T (p.Glu273Asp)

Gene: ALK (ALK receptor tyrosine kinase; minus strand). Cytogenetic location: 2p23.2.
Variant type: single nucleotide variant.
Coding change: c.819G>T on transcript NM_004304.5 (MANE Select); coding-DNA position 819, G replaced by T.
Protein change: p.Glu273Asp; replaces glutamic acid 273 with aspartic acid.
Molecular consequence: missense variant.
Genome position (GRCh38, 1-based): chr2:29,694,983, C>A on the plus strand (G>T on the coding strand, the complement: ALK is on the minus strand). VCF-style: chr2-29694983-C-A. GRCh37 (hg19) VCF-style: chr2-29917849-C-A.
Other names: short protein forms E273D.
Identifiers: ClinVar variation 646901 (VCV000646901.16), dbSNP rs758537157, ClinGen allele CA1594843.

ClinVar aggregate classification (germline): Conflicting classifications of pathogenicity. Review status: criteria provided, conflicting classifications (1 of 4 stars). 5 submissions from 5 submitters: Uncertain significance (4); Likely benign (1). Last evaluated 2025-12-24.

Conditions:
Hereditary cancer-predisposing syndrome. Also called: Hereditary Cancer Syndrome; Tumor predisposition; Neoplastic Syndromes, Hereditary; Hereditary neoplastic syndrome. Identifiers: Orphanet 140162, MedGen C0027672, MeSH D009386, MONDO:0015356.
Neuroblastoma, susceptibility to, 3. Also called: ALK-Related Neuroblastic Tumor Susceptibility. Identifiers: Orphanet 635, MedGen C2751681, MONDO:0013083, OMIM 613014.

Allele frequency attached by ClinVar (database versions not stated): ExAC 0.00002; gnomAD exomes 0.00002; TOPMed 0.00002.
gnomAD v4.1: 5 of 1,614,104 alleles (0.00031%); highest among the groups gnomAD compares: Admixed American, 0.0083%; no homozygotes.

Submissions (5):

Labcorp Genetics (formerly Invitae), Labcorp
Classification: Uncertain significance for Neuroblastoma, susceptibility to, 3. Last evaluated: 2025-12-24. Review status: criteria provided, single submitter. Criteria: Invitae Variant Classification Sherloc (09022015). Collection method: clinical testing. Allele origin: germline.
Comment: This sequence change replaces glutamic acid, which is acidic and polar, with aspartic acid, which is acidic and polar, at codon 273 of the ALK protein (p.Glu273Asp). This variant is present in population databases (rs758537157, gnomAD 0.01%). This variant has not been reported in the literature in individuals affected with ALK-related conditions. ClinVar contains an entry for this variant (Variation ID: 646901). An algorithm developed to predict the effect of missense changes on protein structure and function (PolyPhen-2) suggests that this variant is likely to be tolerated. In summary, the available evidence is currently insufficient to determine the role of this variant in disease. Therefore, it has been classified as a Variant of Uncertain Significance.

GeneDx
Classification: Uncertain significance. Last evaluated: 2024-08-09. Review status: criteria provided, single submitter. Criteria: GeneDx Variant Classification Process June 2021. Collection method: clinical testing. Allele origin: germline. Affected: yes.
Comment: In silico analysis indicates that this missense variant does not alter protein structure/function; Has not been previously published as pathogenic or benign to our knowledge

Fulgent Genetics
Classification: Uncertain significance for Neuroblastoma, susceptibility to, 3. Last evaluated: 2024-06-19. Review status: criteria provided, single submitter. Criteria: ACMG Guidelines, 2015. Collection method: clinical testing. Allele origin: germline.

Baylor Genetics
Classification: Uncertain significance for Neuroblastoma, susceptibility to, 3. Last evaluated: 2024-02-19. Review status: criteria provided, single submitter. Criteria: ACMG Guidelines, 2015. Collection method: clinical testing. Allele origin: unknown.

Ambry Genetics
Classification: Likely benign for Hereditary cancer-predisposing syndrome. Last evaluated: 2022-08-22. Review status: criteria provided, single submitter. Criteria: Ambry Variant Classification Scheme 2023. Collection method: clinical testing. Allele origin: germline.